The following is an entry in ClinVar:

NM_000558.5(HBA1):c.181AAG[1] (p.Lys62del)

Genes: HBA1 (hemoglobin subunit alpha 1; plus strand), LOC106804613 (hemoglobin subunit alpha 1 recombination region; plus strand). Cytogenetic location: 16p13.3.
Variant type: Microsatellite.
Coding change: c.181AAG[1] on transcript NM_000558.5 (MANE Select); one copy of the 3-base unit AAG starting at c.181; the reference has two copies in a row; one copy, 3 bases deleted; also written c.184_186del.
Protein change: p.Lys62del; deletes lysine 62.
Molecular consequence: inframe deletion.
Genome position (GRCh38, 1-based): chr16:177,017-177,019, AAG deleted; deleting any 3 consecutive bases within chr16:177,014-177,019 gives the same sequence; the position shown is the placement nearest the transcript's 3' end. VCF-style (leftmost placement, unchanged base first): chr16-177013-CAAG-C. GRCh37 (hg19) VCF-style: chr16-227012-CAAG-C.
Other names: c.184_186del (NM_000558.3); short protein forms K62del.
Identifiers: ClinVar variation 1330144 (VCV001330144.2), dbSNP rs34353199, ClinGen allele CA276416812.

ClinVar aggregate classification (germline): Uncertain significance (1 of 4 stars; one submission).

Submission:

Quest Diagnostics Nichols Institute San Juan Capistrano
Classification: Uncertain significance. Last evaluated: 2025-04-30. Review status: criteria provided, single submitter. Criteria: Quest Diagnostics criteria. Collection method: clinical testing. Allele origin: unknown.
Comment: The HBA1 c.184_186del (p.Lys62del) variant (also known as Hb Clinic) has been reported in the heterozygous state in two family members with hypochromic/microcytic anemia, and has been described to be unstable (PMID: 10206681 (1998), HbVar). The frequency of this variant in the general population (Genome Aggregation Database) is uninformative in the assessment of its pathogenicity. Based on the available information, we are unable to determine the clinical significance of this variant.

Literature cited by the submitters: PubMed 10206681.